The following is an entry in ClinVar:

NM_000283.4(PDE6B):c.292C>T (p.Arg98Cys)

Gene: PDE6B (phosphodiesterase 6B; plus strand). Cytogenetic location: 4p16.3.
Variant type: single nucleotide variant.
Coding change: c.292C>T on transcript NM_000283.4 (MANE Select); coding-DNA position 292, C replaced by T.
Protein change: p.Arg98Cys; replaces arginine 98 with cysteine.
Molecular consequence: missense variant.
Genome position (GRCh38, 1-based): chr4:625,918, C>T. VCF-style: chr4-625918-C-T. GRCh37 (hg19) VCF-style: chr4-619707-C-T.
Other names: c.292C>T, p.Arg98Cys (NM_001145291.2); short protein forms R98C.
Identifiers: ClinVar variation 862714 (VCV000862714.13), dbSNP rs374578601, ClinGen allele CA2793899.
Genomic context (GRCh38, chr4:625,918, plus strand): 5'-AAGGTCCTGCGGCGCCTCTGCACCCTCCTGCAGGCCGACCGCTGCAGCCTCTTCATGTAC[C>T]GCCAGCGCAACGGCGTGGCCGAGCTGGCCACCAGGCTTTTCAGCGTGCAGCCGGACAGCG-3'
Protein context (NP_000274.3, residues 88-108): QADRCSLFMY[Arg98Cys]QRNGVAELAT

ClinVar aggregate classification (germline): Conflicting classifications of pathogenicity. Review status: criteria provided, conflicting classifications (1 of 4 stars). 6 submissions from 6 submitters: Likely pathogenic (1); Uncertain significance (4). 1 of the submissions does not count toward it. Last evaluated 2025-12-19.

Conditions:
Retinitis pigmentosa 40 (RP40). Identifiers: Orphanet 791, MedGen C3151107, MONDO:0013429, OMIM 613801.
PDE6B-related disorder. Also called: PDE6B-related disease; PDE6B-related condition; PDE6B-related disorders.

Allele frequency attached by ClinVar (database versions not stated): ESP Exome Variant Server 0.00015; ExAC 0.00017; gnomAD exomes 0.00020 and 0.00065; gnomAD 0.00023 and 0.00024; TOPMed 0.00023.
gnomAD v4.1: 953 of 1,600,724 alleles (0.06%); highest among the groups gnomAD compares: Non-Finnish European, 0.078%; 1 homozygote.

Submissions (6):

3billion
Classification: Uncertain significance for Retinitis pigmentosa 40. Last evaluated: 2025-12-19. Review status: criteria provided, single submitter. Criteria: ACMG Guidelines, 2015. Collection method: clinical testing. Allele origin: germline. Affected: yes.
Comment: The variant is observed at an extremely low frequency in the gnomAD v4.1.0 dataset (total allele frequency: 0.060%). Predicted Consequence/Location: Missense variant In silico tool prediction suggests damaging effect of the variant on gene or gene product [REVEL: 0.70 (>=0.6, sensitivity 0.68 and specificity 0.92)]. The same nucleotide change resulting in the same amino acid change has been previously reported to be associated with PDE6B-related disorder (PMID: 26667666). Different missense changes at the same codon (p.Arg98His, p.Arg98Pro) have been reported to be associated with PDE6B-related disorder (ClinVar ID: VCV000636061, VCV002628368 /PMID: 30543658, 30718709). Therefore, this variant is classified as VUS according to the recommendation of ACMG/AMP guideline.

Dasa
Classification: Uncertain significance for Retinitis pigmentosa 40. Last evaluated: 2025-12-07. Review status: criteria provided, single submitter. Criteria: DASA Assertion Criteria. Collection method: clinical testing. Allele origin: germline.
Comment: NM_000283.4(PDE6B):c.292C>T (p.Arg98Cys) is a missense variant that results in the substitution of arginine with cysteine. The affected residue or protein region has prior evidence supporting clinical relevance. This variant has been recurrently observed in individuals with Retinitis pigmentosa 40 (PMID: 30998820; PMID: 26667666). Also, this variant is rare in population databases. Computational prediction algorithms are consistent with a deleterious effect. The currently available literature and clinical evidence are not sufficient to establish a definitive association between this variant and the reported condition. Therefore, this variant is classified as a variant of uncertain significance.

Labcorp Genetics (formerly Invitae), Labcorp
Classification: Uncertain significance. Last evaluated: 2025-08-24. Review status: criteria provided, single submitter. Criteria: Invitae Variant Classification Sherloc (09022015). Collection method: clinical testing. Allele origin: germline.
Comment: This sequence change replaces arginine, which is basic and polar, with cysteine, which is neutral and slightly polar, at codon 98 of the PDE6B protein (p.Arg98Cys). This variant is present in population databases (rs374578601, gnomAD 0.04%). This missense change has been observed in individual(s) with clinical features of PDE6B-related conditions (PMID: 26667666, 35835773). ClinVar contains an entry for this variant (Variation ID: 862714). Invitae Evidence Modeling of protein sequence and biophysical properties (such as structural, functional, and spatial information, amino acid conservation, physicochemical variation, residue mobility, and thermodynamic stability) indicates that this missense variant is expected to disrupt PDE6B protein function with a positive predictive value of 80%. This variant disrupts the p.Arg98 amino acid residue in PDE6B. Other variant(s) that disrupt this residue have been determined to be pathogenic (PMID: 30543658, 30998820). This suggests that this residue is clinically significant, and that variants that disrupt this residue are likely to be disease-causing. In summary, the available evidence is currently insufficient to determine the role of this variant in disease. Therefore, it has been classified as a Variant of Uncertain Significance.

Revvity Omics, Revvity
Classification: Uncertain significance. Last evaluated: 2025-04-11. Review status: criteria provided, single submitter. Criteria: ACMG Guidelines, 2015. Collection method: clinical testing. Allele origin: germline.

Blueprint Genetics
Classification: Likely pathogenic for PDE6B-related disorders. Last evaluated: 2024-11-21. Review status: criteria provided, single submitter. Criteria: ACMG Guidelines, 2015. Collection method: clinical testing. Allele origin: germline. Affected: yes. Observed: 5 variant alleles.

PreventionGenetics, part of Exact Sciences
Classification: Uncertain significance for PDE6B-related condition. Last evaluated: 2024-08-27. Review status: no assertion criteria provided. Collection method: clinical testing. Allele origin: germline. Not counted in ClinVar's aggregate classification.
Comment: The PDE6B c.292C>T variant is predicted to result in the amino acid substitution p.Arg98Cys. This variant has been reported as one out of three PDE6B variants in an individual with retinitis pigmentosa (Ge et al. 2015. PubMed ID: 26667666), and as a "potential modifier" in a cohort study of Bardet-Biedl syndrome (Table S4, Perea-Romero. 2022. PubMed ID: 35835773). This variant is reported in 0.037% of alleles in individuals of European (Non-Finnish) descent in gnomAD, including one homozygous individual in the latest dataset. Therefore we suspect that this variant may be benign, but at this time the clinical significance of this variant is uncertain due to the absence of conclusive functional and genetic evidence.

Literature cited by the submitters: PubMed 30543658 (cited by 3billion and Labcorp Genetics (formerly Invitae), Labcorp); PubMed 26667666 (cited by 3 submitters); PubMed 30998820 (cited by Dasa and Labcorp Genetics (formerly Invitae), Labcorp); PubMed 35835773 (cited by Labcorp Genetics (formerly Invitae), Labcorp).